The following is an entry in ClinVar:

ClinVar aggregate classification (germline): Pathogenic (1 of 4 stars; one submission).

Conditions:
Pseudoxanthoma elasticum. Also called: Pseudoxanthoma elasticum (inherited or acquired). Identifiers: MedGen C0033847, MONDO:0024308.

Submission:

Women's Health and Genetics/Laboratory Corporation of America, LabCorp
Classification: Pathogenic for Pseudoxanthoma elasticum. Last evaluated: 2024-04-26. Review status: criteria provided, single submitter. Criteria: LabCorp Variant Classification Summary - May 2015. Collection method: clinical testing. Allele origin: germline.
Comment: Variant summary: The variant involves the deletion of exons 23-29 in the ABCC6 gene. A presumed nomenclature of c.(2995+1_2996-1)_(4208+1_4209-1)del has been designated for the purposes of this classification. This Copy Number Variant (CNV) is expected to alter the reading frame and predicted to result in a truncation or absence of the encoded protein due to nonsense mediated decay (NMD). This variant was detected at a frequency of 0.00074 in 125176 control chromosomes in the gnomAD database (Structural Variants v4.0 dataset), and was found predominantly in the European subpopulation at a frequency of 0.0012. The variant, described as exon 23-29 deletion, has been reported in the as one of the most frequent variants found in individuals affected with Pseudoxanthoma Elasticum (e.g. LeSaux_2001, Bartstra_2021). These data indicate that the variant is very likely to be associated with disease. To our knowledge, no experimental evidence demonstrating an impact on protein function has been reported. The following publications have been ascertained in the context of this evaluation (PMID: 11536079, 33812167). ClinVar contains several entries for similar variants (e.g. Variation IDs: 688963, 3063406, 6573). Based on the evidence outlined above, the variant was classified as pathogenic.

Literature cited by the submitters: PubMed 33812167; PubMed 11536079.

NC_000016.9:g.(16244630_16248484)_(16259791_16263502)del

Gene: ABCC6 (ATP binding cassette subfamily C member 6; minus strand). Cytogenetic location: 16p13.11.
Variant type: Deletion.
Identifiers: ClinVar variation 3251661 (VCV003251661.1).